The following is an entry in ClinVar:

ClinVar aggregate classification (germline): Conflicting classifications of pathogenicity. Review status: criteria provided, conflicting classifications (1 of 4 stars). 5 submissions from 5 submitters: Uncertain significance (4); Likely benign (1). Last evaluated 2026-02-03.

Conditions:
Hereditary cancer-predisposing syndrome. Also called: Hereditary Cancer Syndrome; Hereditary neoplastic syndrome; Neoplastic Syndromes, Hereditary; Tumor predisposition. Identifiers: Orphanet 140162, MedGen C0027672, MeSH D009386, MONDO:0015356.
Hereditary breast ovarian cancer syndrome. Also called: Hereditary breast and ovarian cancer; Breast and ovarian cancer; Hereditary breast and ovarian cancer syndrome; Hereditary breast and/or ovarian cancer syndrome; BRCA1- and BRCA2-Associated Hereditary Breast and Ovarian Cancer; Hereditary breast and ovarian cancer syndrome (HBOC). Identifiers: Orphanet 145, MedGen C0677776, MeSH D061325, MONDO:0003582. Disease mechanism: loss of function.
BRCA2-related cancer predisposition. Identifiers: MedGen CN377758, MONDO:0700269.

Allele frequency attached by ClinVar (database versions not stated): gnomAD exomes below 0.00001; gnomAD 0.00001; TOPMed 0.00001.
gnomAD v4.1: 2 of 1,613,326 alleles (0.00012%); highest among the groups gnomAD compares: African/African-American, 0.0013%; no homozygotes.

Submissions (5):

Labcorp Genetics (formerly Invitae), Labcorp
Classification: Uncertain significance for Hereditary breast ovarian cancer syndrome. Last evaluated: 2026-02-03. Review status: criteria provided, single submitter. Criteria: Invitae Variant Classification Sherloc (09022015). Collection method: clinical testing. Allele origin: germline.
Comment: This sequence change replaces valine, which is neutral and non-polar, with methionine, which is neutral and non-polar, at codon 1214 of the BRCA2 protein (p.Val1214Met). This variant is present in population databases (no rsID available, gnomAD 0.01%). This variant has not been reported in the literature in individuals affected with BRCA2-related conditions. ClinVar contains an entry for this variant (Variation ID: 441325). Invitae Evidence Modeling of protein sequence and biophysical properties (such as structural, functional, and spatial information, amino acid conservation, physicochemical variation, residue mobility, and thermodynamic stability) indicates that this missense variant is not expected to disrupt BRCA2 protein function with a negative predictive value of 95%. In summary, the available evidence is currently insufficient to determine the role of this variant in disease. Therefore, it has been classified as a Variant of Uncertain Significance.

All of Us Research Program, National Institutes of Health
Classification: Uncertain significance for BRCA2-related cancer predisposition. Last evaluated: 2024-05-14. Review status: criteria provided, single submitter. Criteria: ACMG Guidelines, 2015. Collection method: clinical testing. Allele origin: germline. Inheritance: Autosomal dominant inheritance. Observed: 1 variant allele, 1 heterozygote.
Comment: This missense variant replaces valine with methionine at codon 1214 of the BRCA2 protein. Computational prediction suggests that this variant may not impact protein structure and function. To our knowledge, functional studies have not been reported for this variant. This variant has not been reported in individuals affected with BRCA2-related disorders in the literature. This variant has been identified in 1/31400 chromosomes in the general population by the Genome Aggregation Database (gnomAD). The available evidence is insufficient to determine the role of this variant in disease conclusively. Therefore, this variant is classified as a Variant of Uncertain Significance.

This study involves interpretation of variants in research participants for the purpose of population health screening. Participant phenotype was not available at the time of variant classification. Additional details can be found in publication PMID: 35346344, PMCID: PMC8962531

Ambry Genetics
Classification: Uncertain significance for Hereditary cancer-predisposing syndrome. Last evaluated: 2024-03-01. Review status: criteria provided, single submitter. Criteria: Ambry Variant Classification Scheme 2023. Collection method: clinical testing. Allele origin: germline.
Comment: The p.V1214M variant (also known as c.3640G>A), located in coding exon 10 of the BRCA2 gene, results from a G to A substitution at nucleotide position 3640. The valine at codon 1214 is replaced by methionine, an amino acid with highly similar properties. This amino acid position is not well conserved in available vertebrate species. In addition, this alteration is predicted to be tolerated by in silico analysis. Since supporting evidence is limited at this time, the clinical significance of this alteration remains unclear.

University of Washington Department of Laboratory Medicine, University of Washington
Classification: Likely benign for Hereditary cancer-predisposing syndrome. Last evaluated: 2023-03-23. Review status: criteria provided, single submitter. Criteria: Dines et al. (Genet Med. 2020). Collection method: curation. Allele origin: germline.
Comment: Missense variant in a coldspot region where missense variants are very unlikely to be pathogenic (PMID:31911673).

BRCA2 exon 11 coldspot. Reclassification based on statistical prior probability.

Women's Health and Genetics/Laboratory Corporation of America, LabCorp
Classification: Uncertain significance. Last evaluated: 2020-08-10. Review status: criteria provided, single submitter. Criteria: LabCorp Variant Classification Summary - May 2015. Collection method: clinical testing. Allele origin: germline.
Comment: Variant summary: BRCA2 c.3640G>A (p.Val1214Met) results in a conservative amino acid change in the encoded protein sequence. Five of five in-silico tools predict a benign effect of the variant on protein function. The variant was absent in 250712 control chromosomes. The available data on variant occurrences in the general population are insufficient to allow any conclusion about variant significance. To our knowledge, no occurrence of c.3640G>A in individuals affected with Hereditary Breast And Ovarian Cancer Syndrome and no experimental evidence demonstrating its impact on protein function have been reported. Two clinical diagnostic laboratories have submitted clinical-significance assessments for this variant to ClinVar after 2014 without evidence for independent evaluation. All laboratories classified the variant as uncertain significance. Based on the evidence outlined above, the variant was classified as uncertain significance.

Literature cited by the submitters: PubMed 30630528 (cited by Ambry Genetics).

NM_000059.4(BRCA2):c.3640G>A (p.Val1214Met)

Gene: BRCA2 (BRCA2 DNA repair associated; plus strand). Cytogenetic location: 13q13.1.
Variant type: single nucleotide variant.
Coding change: c.3640G>A on transcript NM_000059.4 (MANE Select); coding-DNA position 3640, G replaced by A.
Protein change: p.Val1214Met; replaces valine 1214 with methionine.
Molecular consequence: missense variant.
Genome position (GRCh38, 1-based): chr13:32,337,995, G>A. VCF-style: chr13-32337995-G-A. GRCh37 (hg19) VCF-style: chr13-32912132-G-A.
Other names: short protein forms V1214M.
Identifiers: ClinVar variation 441325 (VCV000441325.15), dbSNP rs1015087797, ClinGen allele CA247505516.
Genomic context (GRCh38, chr13:32,337,995, plus strand): 5'-GGCCTGTTGAAAAATGACTGTAACAAAAGTGCTTCTGGTTATTTAACAGATGAAAATGAA[G>A]TGGGGTTTAGGGGCTTTTATTCTGCTCATGGCACAAAACTGAATGTTTCTACTGAAGCTC-3'
Protein context (NP_000050.3, residues 1204-1224): ASGYLTDENE[Val1214Met]GFRGFYSAHG